The following is an entry in ClinVar:

NM_024580.6(EFL1):c.1262A>G (p.Asp421Gly)

Gene: EFL1 (elongation factor like GTPase 1; minus strand). Cytogenetic location: 15q25.2.
Variant type: single nucleotide variant.
Coding change: c.1262A>G on transcript NM_024580.6 (MANE Select); coding-DNA position 1262, A replaced by G.
Protein change: p.Asp421Gly; replaces aspartic acid 421 with glycine.
Molecular consequence: missense variant. On other transcripts: non-coding transcript variant (1).
Genome position (GRCh38, 1-based): chr15:82,225,195, T>C on the plus strand (A>G on the coding strand, the complement: EFL1 is on the minus strand). VCF-style: chr15-82225195-T-C. GRCh37 (hg19) VCF-style: chr15-82517536-T-C.
Other names: c.1109A>G, p.Asp370Gly (NM_001040610.3); c.473A>G, p.Asp158Gly (NM_001322844.2); c.1262A>G, p.Asp421Gly (NM_001322845.2); short protein forms D370G, D421G, D158G.
Identifiers: ClinVar variation 1911870 (VCV001911870.3), dbSNP rs768589425, ClinGen allele CA7698039.
Genomic context (GRCh38, chr15:82,225,195, plus strand): 5'-AGCCCAGCCCAACTTTCCCCTTTCCCTTACCTTGGCTTATTCTGAGGCAAGGCCTTAGCA[T>C]CAACTGCAAACATTTTGGAAACAAATATAATAACTGGAGCAGTGTCCTCACTTCCACATT-3'
Protein context (NP_078856.4, residues 411-431): IIFVSKMFAV[Asp421Gly]AKALPQNKPR

ClinVar aggregate classification (germline): Uncertain significance. Review status: criteria provided, multiple submitters, no conflicts (2 of 4 stars). 2 submissions from 2 submitters: Uncertain significance (2). Last evaluated 2022-07-03.

Allele frequency attached by ClinVar (database versions not stated): gnomAD exomes below 0.00001; ExAC 0.00001.

Submissions (2):

Labcorp Genetics (formerly Invitae), Labcorp
Classification: Uncertain significance. Last evaluated: 2022-07-03. Review status: criteria provided, single submitter. Criteria: Invitae Variant Classification Sherloc (09022015). Collection method: clinical testing. Allele origin: germline.
Comment: This sequence change replaces aspartic acid, which is acidic and polar, with glycine, which is neutral and non-polar, at codon 421 of the EFL1 protein (p.Asp421Gly). This variant is present in population databases (rs768589425, gnomAD 0.003%). This variant has not been reported in the literature in individuals affected with EFL1-related conditions. Algorithms developed to predict the effect of missense changes on protein structure and function (SIFT, PolyPhen-2, Align-GVGD) all suggest that this variant is likely to be tolerated. In summary, the available evidence is currently insufficient to determine the role of this variant in disease. Therefore, it has been classified as a Variant of Uncertain Significance.

Blueprint Genetics
Classification: Uncertain significance. Last evaluated: 2021-08-26. Review status: criteria provided, single submitter. Criteria: ACMG Guidelines, 2015. Collection method: clinical testing. Allele origin: germline.